The following is an entry in ClinVar:

NM_001374736.1(DST):c.13265A>G (p.Gln4422Arg)

Gene: DST (dystonin; minus strand). Cytogenetic location: 6p12.1.
Variant type: single nucleotide variant.
Coding change: c.13265A>G on transcript NM_001374736.1 (MANE Select); coding-DNA position 13265, A replaced by G.
Protein change: p.Gln4422Arg; replaces glutamine 4422 with arginine.
Molecular consequence: missense variant.
Genome position (GRCh38, 1-based): chr6:56,573,036, T>C on the plus strand (A>G on the coding strand, the complement: DST is on the minus strand). VCF-style: chr6-56573036-T-C. GRCh37 (hg19) VCF-style: chr6-56437834-T-C.
Other names: c.6908A>G, p.Gln2303Arg (NM_001144769.5); c.6494A>G, p.Gln2165Arg (NM_001144770.2); c.13265A>G, p.Gln4422Arg (NM_001374722.1); c.12632A>G, p.Gln4211Arg (NM_001374729.1); c.6374A>G, p.Gln2125Arg (NM_001374730.1, NM_001386100.1, NM_183380.4); c.13292A>G, p.Gln4431Arg (NM_001374734.1); c.5396A>G, p.Gln1799Arg (NM_015548.5); short protein forms Q4431R, Q1799R, Q2165R, Q4211R, Q2125R, Q2303R, Q4422R.
Identifiers: ClinVar variation 2155728 (VCV002155728.4), dbSNP rs781435619, ClinGen allele CA139213203.

ClinVar aggregate classification (germline): Uncertain significance (1 of 4 stars; one submission).

Conditions:
Hereditary sensory and autonomic neuropathy type 6. Also called: HSAN VI; Neuropathy, hereditary sensory and autonomic, type VI. Identifiers: Orphanet 314381, MedGen C3539003, MONDO:0013839, OMIM 614653.
Epidermolysis bullosa simplex 3, localized or generalized intermediate, with BP230 deficiency (EBS3). Also called: Epidermolysis bullosa simplex due to BP230 deficiency; Epidermolysis bullosa simplex, autosomal recessive 2. Identifiers: Orphanet 412181, MedGen C3809470, MONDO:0014180, OMIM 615425.

Allele frequency attached by ClinVar (database versions not stated): TOPMed below 0.00001; gnomAD 0.00001; gnomAD exomes 0.00001.
gnomAD v4.1: 10 of 1,593,534 alleles (0.00063%); highest among the groups gnomAD compares: Non-Finnish European, 0.00077%; no homozygotes.

Submission:

Labcorp Genetics (formerly Invitae), Labcorp
Classification: Uncertain significance for Epidermolysis bullosa simplex 3, localized or generalized intermediate, with BP230 deficiency; Hereditary sensory and autonomic neuropathy type 6. Last evaluated: 2022-06-10. Review status: criteria provided, single submitter. Criteria: Invitae Variant Classification Sherloc (09022015). Collection method: clinical testing. Allele origin: germline.
Comment: The DST gene has multiple clinically relevant transcripts. This variant occurs in alternate transcript NM_015548.4, and corresponds to NM_001723.5:c.*42481A>G in the primary transcript. In summary, the available evidence is currently insufficient to determine the role of this variant in disease. Therefore, it has been classified as a Variant of Uncertain Significance. Experimental studies and prediction algorithms are not available or were not evaluated, and the functional significance of this variant is currently unknown. This variant has not been reported in the literature in individuals affected with DST-related conditions. This variant is not present in population databases (gnomAD no frequency). This sequence change replaces glutamine, which is neutral and polar, with arginine, which is basic and polar, at codon 1799 of the DST protein (p.Gln1799Arg).